The following is an entry in ClinVar:

NM_004304.5(ALK):c.3701C>A (p.Ala1234Asp)

Gene: ALK (ALK receptor tyrosine kinase; minus strand). Cytogenetic location: 2p23.2.
Variant type: single nucleotide variant.
Coding change: c.3701C>A on transcript NM_004304.5 (MANE Select); coding-DNA position 3701, C replaced by A.
Protein change: p.Ala1234Asp; replaces alanine 1234 with aspartic acid.
Molecular consequence: missense variant.
Genome position (GRCh38, 1-based): chr2:29,214,026, G>T on the plus strand (C>A on the coding strand, the complement: ALK is on the minus strand). VCF-style: chr2-29214026-G-T. GRCh37 (hg19) VCF-style: chr2-29436892-G-T.
Other names: c.497C>A, p.Ala166Asp (NM_001353765.2); short protein forms A166D, A1234D.
Identifiers: ClinVar variation 3524098 (VCV003524098.1).
Genomic context (GRCh38, chr2:29,214,026, plus strand): 5'-ACAGTCACTTTGACTCACCGGTGGATGAAGTGGTTTTCCTCCAAATACTGACAGCCACAG[G>T]CAATGTCCCGAGCCACGTGCAGAAGGTCCAGCATGGCCAGGGAGGAGGGCTGGCTCTGTG-3'
Protein context (NP_004295.2, residues 1224-1244): LDLLHVARDI[Ala1234Asp]CGCQYLEENH

ClinVar aggregate classification (germline): Uncertain significance (1 of 4 stars; one submission).

Conditions:
Hereditary cancer-predisposing syndrome. Also called: Hereditary Cancer Syndrome; Hereditary neoplastic syndrome; Tumor predisposition; Neoplastic Syndromes, Hereditary. Identifiers: Orphanet 140162, MedGen C0027672, MeSH D009386, MONDO:0015356.

Submission:

Ambry Genetics
Classification: Uncertain significance for Hereditary cancer-predisposing syndrome. Last evaluated: 2024-07-15. Review status: criteria provided, single submitter. Criteria: Ambry Variant Classification Scheme 2023. Collection method: clinical testing. Allele origin: germline.
Comment: The p.A1234D variant (also known as c.3701C>A), located in coding exon 24 of the ALK gene, results from a C to A substitution at nucleotide position 3701. The alanine at codon 1234 is replaced by aspartic acid, an amino acid with dissimilar properties. This amino acid position is conserved. In addition, this alteration is predicted to be deleterious by in silico analysis. Based on the available evidence, the clinical significance of this variant remains unclear.